The following is an entry in ClinVar:

NM_017654.4(SAMD9):c.1507G>A (p.Glu503Lys)

Gene: SAMD9 (sterile alpha motif domain containing 9; minus strand). Cytogenetic location: 7q21.2.
Variant type: single nucleotide variant.
Coding change: c.1507G>A on transcript NM_017654.4 (MANE Select); coding-DNA position 1507, G replaced by A.
Protein change: p.Glu503Lys; replaces glutamic acid 503 with lysine.
Molecular consequence: missense variant.
Genome position (GRCh38, 1-based): chr7:93,104,591, C>T on the plus strand (G>A on the coding strand, the complement: SAMD9 is on the minus strand). VCF-style: chr7-93104591-C-T. GRCh37 (hg19) VCF-style: chr7-92733904-C-T.
Other names: c.1507G>A, p.Glu503Lys (NM_001193307.2); short protein forms E503K.
Identifiers: ClinVar variation 4159113 (VCV004159113.1).

ClinVar aggregate classification (germline): Uncertain significance (1 of 4 stars; one submission).

Conditions:
Inborn genetic diseases. Identifiers: MedGen C0950123, MeSH D030342.

Submission:

Ambry Genetics
Classification: Uncertain significance for Inborn genetic diseases. Last evaluated: 2025-08-01. Review status: criteria provided, single submitter. Criteria: Ambry Variant Classification Scheme 2023. Collection method: clinical testing. Allele origin: germline.
Comment: The p.E503K variant (also known as c.1507G>A), located in coding exon 1 of the SAMD9 gene, results from a G to A substitution at nucleotide position 1507. The glutamic acid at codon 503 is replaced by lysine, an amino acid with similar properties. This amino acid position is conserved. In addition, this alteration is predicted to be tolerated by in silico analysis. Based on the available evidence, the clinical significance of this variant remains unclear.